The following is an entry in ClinVar:

ClinVar aggregate classification (germline): Uncertain significance (1 of 4 stars; one submission).

gnomAD v4.1: 1 of 1,608,082 alleles (0.000062%); highest among the groups gnomAD compares: Non-Finnish European, 0.000085%; no homozygotes.

Submission:

Labcorp Genetics (formerly Invitae), Labcorp
Classification: Uncertain significance. Last evaluated: 2024-07-23. Review status: criteria provided, single submitter. Criteria: Invitae Variant Classification Sherloc (09022015). Collection method: clinical testing. Allele origin: germline.
Comment: This sequence change replaces threonine, which is neutral and polar, with alanine, which is neutral and non-polar, at codon 1848 of the KMT2A protein (p.Thr1848Ala). This variant is not present in population databases (gnomAD no frequency). This variant has not been reported in the literature in individuals affected with KMT2A-related conditions. Advanced modeling of protein sequence and biophysical properties (such as structural, functional, and spatial information, amino acid conservation, physicochemical variation, residue mobility, and thermodynamic stability) performed at Invitae indicates that this missense variant is not expected to disrupt KMT2A protein function with a negative predictive value of 95%. In summary, the available evidence is currently insufficient to determine the role of this variant in disease. Therefore, it has been classified as a Variant of Uncertain Significance.

NM_001197104.2(KMT2A):c.5542A>G (p.Thr1848Ala)

Gene: KMT2A (lysine methyltransferase 2A; plus strand). Cytogenetic location: 11q23.3.
Variant type: single nucleotide variant.
Coding change: c.5542A>G on transcript NM_001197104.2 (MANE Select); coding-DNA position 5542, A replaced by G.
Protein change: p.Thr1848Ala; replaces threonine 1848 with alanine.
Molecular consequence: missense variant.
Genome position (GRCh38, 1-based): chr11:118,495,878, A>G. VCF-style: chr11-118495878-A-G. GRCh37 (hg19) VCF-style: chr11-118366593-A-G.
Other names: c.5632A>G, p.Thr1878Ala (NM_001412597.1); c.5533A>G, p.Thr1845Ala (NM_005933.4); short protein forms T1845A, T1848A, T1878A.
Identifiers: ClinVar variation 3680386 (VCV003680386.2).